The following is an entry in ClinVar:

ClinVar aggregate classification (germline): Conflicting classifications of pathogenicity. Review status: criteria provided, conflicting classifications (1 of 4 stars). 3 submissions from 3 submitters: Uncertain significance (2); Likely benign (1). Last evaluated 2024-10-24.

Conditions:
3MC syndrome 1. Also called: CRANIOSYNOSTOSIS WITH LID ANOMALIES; MICHELS SYNDROME; OCULOPALATOSKELETAL SYNDROME. Identifiers: Orphanet 293843, MedGen C0796059, MONDO:0009770, OMIM 257920.
Inborn genetic diseases. Identifiers: MedGen C0950123, MeSH D030342.

Allele frequency attached by ClinVar (database versions not stated): gnomAD 0.00006 and 0.00009; ESP Exome Variant Server 0.00008; TOPMed 0.00008; ExAC 0.00016; gnomAD exomes 0.00017.
gnomAD v4.1: 140 of 1,613,390 alleles (0.0087%); highest among the groups gnomAD compares: South Asian, 0.054%; no homozygotes.

Submissions (3):

Blueprint Genetics
Classification: Likely benign. Last evaluated: 2024-10-24. Review status: criteria provided, single submitter. Criteria: ACMG Guidelines, 2015. Collection method: clinical testing. Allele origin: germline.

Labcorp Genetics (formerly Invitae), Labcorp
Classification: Uncertain significance for 3MC syndrome 1. Last evaluated: 2024-10-22. Review status: criteria provided, single submitter. Criteria: Invitae Variant Classification Sherloc (09022015). Collection method: clinical testing. Allele origin: germline.
Comment: This sequence change replaces asparagine, which is neutral and polar, with histidine, which is basic and polar, at codon 406 of the MASP1 protein (p.Asn406His). This variant is present in population databases (rs374775501, gnomAD 0.06%). This variant has not been reported in the literature in individuals affected with MASP1-related conditions. ClinVar contains an entry for this variant (Variation ID: 1509502). An algorithm developed to predict the effect of missense changes on protein structure and function outputs the following: PolyPhen-2: "Benign". The histidine amino acid residue is found in multiple mammalian species, which suggests that this missense change does not adversely affect protein function. In summary, the available evidence is currently insufficient to determine the role of this variant in disease. Therefore, it has been classified as a Variant of Uncertain Significance.

Ambry Genetics
Classification: Uncertain significance for Inborn genetic diseases. Last evaluated: 2021-01-27. Review status: criteria provided, single submitter. Criteria: Ambry Variant Classification Scheme 2023. Collection method: clinical testing. Allele origin: germline.
Comment: The c.1216A>C (p.N406H) alteration is located in exon 9 (coding exon 9) of the MASP1 gene. This alteration results from a A to C substitution at nucleotide position 1216, causing the asparagine (N) at amino acid position 406 to be replaced by a histidine (H). The p.N406H alteration is predicted to be tolerated by in silico analysis. Based on insufficient or conflicting evidence, the clinical significance of this alteration remains unclear.

NM_139125.4(MASP1):c.1216A>C (p.Asn406His)

Gene: MASP1 (MBL associated serine protease 1; minus strand). Cytogenetic location: 3q27.3.
Variant type: single nucleotide variant.
Coding change: c.1216A>C on transcript NM_139125.4 (MANE Select); coding-DNA position 1216, A replaced by C.
Protein change: p.Asn406His; replaces asparagine 406 with histidine.
Molecular consequence: missense variant. On other transcripts: non-coding transcript variant (1).
Genome position (GRCh38, 1-based): chr3:187,243,496, T>G on the plus strand (A>C on the coding strand, the complement: MASP1 is on the minus strand). VCF-style: chr3-187243496-T-G. GRCh37 (hg19) VCF-style: chr3-186961284-T-G.
Other names: c.1216A>C (NM_139125.3); c.1216A>C, p.Asn406His (NM_001879.6); short protein forms N406H.
Identifiers: ClinVar variation 1509502 (VCV001509502.6), dbSNP rs374775501, ClinGen allele CA2749334.